The following is an entry in ClinVar:

ClinVar aggregate classification (germline): Uncertain significance (1 of 4 stars; one submission).

Conditions:
Inosine triphosphatase deficiency. Also called: INOSINE TRIPHOSPHATE PYROPHOSPHOHYDROLASE DEFICIENCY. Identifiers: MedGen C0342800, MONDO:0013461, OMIM 613850.

Allele frequency attached by ClinVar (database versions not stated): TOPMed below 0.00001; gnomAD 0.00001; gnomAD exomes below 0.00001.
gnomAD v4.1: 3 of 1,613,744 alleles (0.00019%); highest among the groups gnomAD compares: Non-Finnish European, 0.00025%; no homozygotes.

Submission:

Labcorp Genetics (formerly Invitae), Labcorp
Classification: Uncertain significance for Inosine triphosphatase deficiency. Last evaluated: 2025-03-03. Review status: criteria provided, single submitter. Criteria: Invitae Variant Classification Sherloc (09022015). Collection method: clinical testing. Allele origin: germline.
Comment: This sequence change replaces leucine, which is neutral and non-polar, with proline, which is neutral and non-polar, at codon 104 of the ITPA protein (p.Leu104Pro). This variant is not present in population databases (gnomAD no frequency). This variant has not been reported in the literature in individuals affected with ITPA-related conditions. ClinVar contains an entry for this variant (Variation ID: 1521802). An algorithm developed to predict the effect of missense changes on protein structure and function (PolyPhen-2) suggests that this variant is likely to be disruptive. In summary, the available evidence is currently insufficient to determine the role of this variant in disease. Therefore, it has been classified as a Variant of Uncertain Significance.

NM_033453.4(ITPA):c.311T>C (p.Leu104Pro)

Gene: ITPA (inosine triphosphatase; plus strand). Cytogenetic location: 20p13.
Variant type: single nucleotide variant.
Coding change: c.311T>C on transcript NM_033453.4 (MANE Select); coding-DNA position 311, T replaced by C.
Protein change: p.Leu104Pro; replaces leucine 104 with proline.
Molecular consequence: missense variant. On other transcripts: 5 prime UTR variant (4), non-coding transcript variant (2).
Genome position (GRCh38, 1-based): chr20:3,218,532, T>C. VCF-style: chr20-3218532-T-C. GRCh37 (hg19) VCF-style: chr20-3199178-T-C.
Other names: c.188T>C, p.Leu63Pro (NM_001267623.2); c.-27T>C (NM_001324236.2, NM_001324237.2, NM_001324238.2 and 1 more transcripts); c.311T>C, p.Leu104Pro (NM_001324240.2); c.260T>C, p.Leu87Pro (NM_181493.4); short protein forms L104P, L63P, L87P.
Identifiers: ClinVar variation 1521802 (VCV001521802.6), dbSNP rs2067370307, ClinGen allele CA408079814.